The following is an entry in ClinVar:

NM_000548.5(TSC2):c.4557del (p.Leu1520fs)

Gene: TSC2 (TSC complex subunit 2; plus strand). Cytogenetic location: 16p13.3.
Variant type: Deletion.
Coding change: c.4557del on transcript NM_000548.5 (MANE Select); coding-DNA position 4557, one base deleted (G; older notation c.4557delG).
Protein change: p.Leu1520fs; shifts the reading frame from leucine 1520.
Molecular consequence: frameshift variant. On other transcripts: non-coding transcript variant (5).
Genome position (GRCh38, 1-based): chr16:2,085,014, G deleted. VCF-style (leftmost placement, unchanged base first): chr16-2085013-TG-T. GRCh37 (hg19) VCF-style: chr16-2135014-TG-T.
Other names: c.4356del, p.Leu1453fs (NM_001077183.3); c.4488del, p.Leu1497fs (NM_001114382.3); c.4248del, p.Leu1417fs (NM_001318827.2); c.4212del, p.Leu1405fs (NM_001318829.2); c.3825del, p.Leu1276fs (NM_001318831.2); c.4389del, p.Leu1464fs (NM_001318832.2); c.4359del, p.Leu1454fs (NM_001363528.2); c.4425del, p.Leu1476fs (NM_001370404.1); and 26 more; short protein forms L1005fs, L1028fs, L1296fs, L1253fs, L1300fs, L1405fs, L1416fs, L1453fs.
Identifiers: ClinVar variation 2759833 (VCV002759833.3), dbSNP rs2544308169, ClinGen allele CA2697549581.
Genomic context (GRCh38, chr16:2,085,013, plus strand): 5'-TCGTGTTCCTGCAGCTCTACCATTCCCCCTTCTTTGGCGACGAGTCAAACAAGCCAATCC[TG>T]CTGCCCAATGAGGTAGGCGTGGCCTCCCTCTCCTGCATCCGCTGGAGCTGTGTGGCTCGG-3'

ClinVar aggregate classification (germline): Pathogenic (1 of 4 stars; one submission).

Conditions:
Tuberous sclerosis 2 (TSC2). Identifiers: Orphanet 805, MedGen C1860707, MONDO:0013199, OMIM 613254.

Submission:

Labcorp Genetics (formerly Invitae), Labcorp
Classification: Pathogenic for Tuberous sclerosis 2. Last evaluated: 2023-09-10. Review status: criteria provided, single submitter. Criteria: Invitae Variant Classification Sherloc (09022015). Collection method: clinical testing. Allele origin: germline.
Comment: For these reasons, this variant has been classified as Pathogenic. This variant has not been reported in the literature in individuals affected with TSC2-related conditions. This variant is not present in population databases (gnomAD no frequency). This sequence change creates a premature translational stop signal (p.Leu1520Cysfs*56) in the TSC2 gene. It is expected to result in an absent or disrupted protein product. Loss-of-function variants in TSC2 are known to be pathogenic (PMID: 10205261, 17304050).

Literature cited by the submitters: PubMed 10205261; PubMed 17304050.